The following is an entry in ClinVar:

ClinVar aggregate classification (germline): Pathogenic/Likely pathogenic. Review status: criteria provided, multiple submitters, no conflicts (2 of 4 stars). 3 submissions from 3 submitters: Pathogenic (1); Likely pathogenic (1). 1 of the submissions does not count toward it. Last evaluated 2020-09-25.

Conditions:
Intellectual developmental disorder, autosomal dominant 6, with or without seizures. Also called: GRIN2B-related developmental delay, intellectual disability and autism spectrum disorder; Intellectual disability, autosomal dominant 6. Identifiers: Orphanet 589547, MedGen C3151411, MONDO:0013509, OMIM 613970.

Submissions (3):

GeneDx
Classification: Pathogenic. Last evaluated: 2020-09-25. Review status: criteria provided, single submitter. Criteria: GeneDx Variant Classification Process June 2021. Collection method: clinical testing. Allele origin: germline. Affected: yes.
Comment: Not observed in large population cohorts (Lek et al., 2016); In-frame deletion of 2 amino acids with an unclear effect on protein function; In silico analysis supports a deleterious effect on protein structure/function; Has not been previously published as pathogenic or benign to our knowledge

Mendelics
Classification: Likely pathogenic for Intellectual developmental disorder, autosomal dominant 6, with or without seizures. Last evaluated: 2019-05-28. Review status: criteria provided, single submitter. Criteria: Mendelics Assertion Criteria 2017. Collection method: clinical testing. Allele origin: unknown.

Baylor Genetics
Classification: Uncertain significance for Intellectual developmental disorder, autosomal dominant 6, with or without seizures. Last evaluated: 2017-09-01. Review status: flagged submission. Criteria: ACMG Guidelines, 2015. Collection method: clinical testing. Allele origin: de novo. Inheritance: Autosomal dominant inheritance. Affected: yes. Not counted in ClinVar's aggregate classification.
ClinVar note: Notes: Claim calls variant likely pathogenic in the evidence summary but submits an interpretation of uncertain significance.
ClinVar note: Reason: Other submission error

Literature cited by the submitters: PubMed 25326635 (cited by Baylor Genetics).

NM_000834.5(GRIN2B):c.1721TCTTTG[1] (p.574VF[1])

Gene: GRIN2B (glutamate ionotropic receptor NMDA type subunit 2B; minus strand). Cytogenetic location: 12p13.1.
Variant type: Microsatellite.
Coding change: c.1721TCTTTG[1] on transcript NM_000834.5 (MANE Select); one copy of the 6-base unit TCTTTG starting at c.1721; the reference has two copies in a row; one copy, 6 bases deleted.
Protein change: p.574VF[1].
Molecular consequence: inframe deletion.
Genome position (GRCh38, 1-based): chr12:13,611,773-13,611,778, CAAAGA deleted on the plus strand (TCTTTG on the coding strand, the reverse complement: GRIN2B is on the minus strand); deleting any 6 consecutive bases within chr12:13,611,773-13,611,786 gives the same sequence; the position shown is the placement nearest the transcript's 3' end. VCF-style (leftmost placement, unchanged base first): chr12-13611772-TCAAAGA-T. GRCh37 (hg19) VCF-style: chr12-13764706-TCAAAGA-T.
Identifiers: ClinVar variation 504225 (VCV000504225.6), dbSNP rs1555111511, ClinGen allele CA658797846.